The following is an entry in ClinVar:

ClinVar aggregate classification (germline): Uncertain significance (1 of 4 stars; one submission).

gnomAD v4.1: 3 of 1,613,968 alleles (0.00019%); highest among the groups gnomAD compares: Non-Finnish European, 0.00025%; no homozygotes.

Submission:

Ambry Genetics
Classification: Uncertain significance. Last evaluated: 2026-03-13. Review status: criteria provided, single submitter. Criteria: Ambry Variant Classification Scheme 2023. Collection method: clinical testing. Allele origin: germline.
Comment: The p.S523C variant (also known as c.1568C>G), located in coding exon 13 of the GEN1 gene, results from a C to G substitution at nucleotide position 1568. The serine at codon 523 is replaced by cysteine, an amino acid with dissimilar properties. This amino acid position is conserved. In addition, this alteration is predicted to be tolerated by in silico analysis. Based on the available evidence, the clinical significance of this variant remains unclear.

NM_001130009.3(GEN1):c.1568C>G (p.Ser523Cys)

Gene: GEN1 (GEN1 structure-specific endonuclease; plus strand). Cytogenetic location: 2p24.2.
Variant type: single nucleotide variant.
Coding change: c.1568C>G on transcript NM_001130009.3 (MANE Select); coding-DNA position 1568, C replaced by G.
Protein change: p.Ser523Cys; replaces serine 523 with cysteine.
Molecular consequence: missense variant.
Genome position (GRCh38, 1-based): chr2:17,780,780, C>G. VCF-style: chr2-17780780-C-G. GRCh37 (hg19) VCF-style: chr2-17962047-C-G.
Other names: c.1568C>G, p.Ser523Cys (NM_182625.5); short protein forms S523C.
Identifiers: ClinVar variation 4826310 (VCV004826310.1).